The following is an entry in ClinVar:

ClinVar aggregate classification (germline): Conflicting classifications of pathogenicity. Review status: criteria provided, conflicting classifications (1 of 4 stars). 2 submissions from 2 submitters: Likely pathogenic (1); Uncertain significance (1). Last evaluated 2023-10-31.

Conditions:
Congenital primary aphakia. Also called: ANTERIOR SEGMENT DYSGENESIS 2; Anterior segment dysgenesis 2, multiple subtypes. Identifiers: Orphanet 83461, MedGen C1853230, MONDO:0012456, OMIM 610256.
Anterior segment dysgenesis. Also called: Ocular anterior segment dysgenesis. Identifiers: Orphanet 88632, MedGen C1862839, MONDO:0019503, HP:0007700.

Submissions (2):

GeneDx
Classification: Likely pathogenic. Last evaluated: 2023-10-31. Review status: criteria provided, single submitter. Criteria: GeneDx Variant Classification Process June 2021. Collection method: clinical testing. Allele origin: germline. Affected: yes.
Comment: Frameshift variant predicted to result in protein elongation, as the last 9 amino acids are replaced with 89 different amino acids, and other nearby variants resulting in a loss of the normal stop codon and gain of an extended, aberrant protein tail have been reported in the Human Gene Mutation Database (HGMD); Not observed at significant frequency in large population cohorts (gnomAD); Has not been previously published as pathogenic or benign to our knowledge

Labcorp Genetics (formerly Invitae), Labcorp
Classification: Uncertain significance for Anterior segment dysgenesis; Congenital primary aphakia. Last evaluated: 2023-01-24. Review status: criteria provided, single submitter. Criteria: Invitae Variant Classification Sherloc (09022015). Collection method: clinical testing. Allele origin: germline.
Comment: In summary, the available evidence is currently insufficient to determine the role of this variant in disease. Therefore, it has been classified as a Variant of Uncertain Significance. Experimental studies and prediction algorithms are not available or were not evaluated, and the functional significance of this variant is currently unknown. ClinVar contains an entry for this variant (Variation ID: 1327737). This variant has not been reported in the literature in individuals affected with FOXE3-related conditions. This variant is not present in population databases (gnomAD no frequency). This sequence change results in a frameshift in the FOXE3 gene (p.Phe311Trpfs*90). While this is not anticipated to result in nonsense mediated decay, it is expected to disrupt the last 9 amino acid(s) of the FOXE3 protein and extend the protein by 80 additional amino acid residues.

NM_012186.3(FOXE3):c.932_944del (p.Phe311fs)

Genes: FOXE3 (forkhead box E3; plus strand), LINC01389 (long independently transcribed non-coding RNA 1389; minus strand). Cytogenetic location: 1p33.
Variant type: Deletion.
Coding change: c.932_944del on transcript NM_012186.3 (MANE Select); coding-DNA positions 932 to 944, 13 bases deleted (TCGCGTCGGGGCT).
Protein change: p.Phe311fs; shifts the reading frame from phenylalanine 311.
Molecular consequence: frameshift variant.
Genome position (GRCh38, 1-based): chr1:47,417,247-47,417,259, TCGCGTCGGGGCT deleted; deleting any 13 consecutive bases within chr1:47,417,242-47,417,259 gives the same sequence; the c. name uses the placement nearest the transcript's 3' end. VCF-style (leftmost placement, unchanged base first): chr1-47417241-CGGGCTTCGCGTCG-C. GRCh37 (hg19) VCF-style: chr1-47882913-CGGGCTTCGCGTCG-C.
Other names: short protein forms F311fs.
Identifiers: ClinVar variation 1327737 (VCV001327737.6), dbSNP rs2124045053, ClinGen allele CA2573051590.